The following is an entry in ClinVar:

ClinVar aggregate classification (germline): Uncertain significance (1 of 4 stars; one submission).

Conditions:
EP300-related disorder. Also called: EP300-related condition; EP300-related disorders.

Submission:

PreventionGenetics, part of Exact Sciences
Classification: Uncertain significance for EP300-related condition. Last evaluated: 2025-06-12. Review status: criteria provided, single submitter. Criteria: ACMG Guidelines, 2015. Collection method: clinical testing. Allele origin: germline.
Comment: The EP300 c.2198T>C variant is predicted to result in the amino acid substitution p.Leu733Pro. To our knowledge, this variant has not been reported in the literature or in a large population database (gnomAD), indicating this variant is rare. At this time, the clinical significance of this variant is uncertain due to the absence of conclusive functional and genetic evidence.

NM_001429.4(EP300):c.2198T>C (p.Leu733Pro)

Gene: EP300 (EP300 lysine acetyltransferase; plus strand). Cytogenetic location: 22q13.2.
Variant type: single nucleotide variant.
Coding change: c.2198T>C on transcript NM_001429.4 (MANE Select); coding-DNA position 2198, T replaced by C.
Protein change: p.Leu733Pro; replaces leucine 733 with proline.
Molecular consequence: missense variant.
Genome position (GRCh38, 1-based): chr22:41,147,903, T>C. VCF-style: chr22-41147903-T-C. GRCh37 (hg19) VCF-style: chr22-41543907-T-C.
Other names: c.2120T>C, p.Leu707Pro (NM_001362843.2); short protein forms L707P, L733P.
Identifiers: ClinVar variation 5000019 (VCV005000019.1).